The following is an entry in ClinVar:

NM_001148.6(ANK2):c.10232C>G (p.Thr3411Ser)

Gene: ANK2 (ankyrin 2; plus strand). Cytogenetic location: 4q26.
Variant type: single nucleotide variant.
Coding change: c.10232C>G on transcript NM_001148.6 (MANE Select); coding-DNA position 10232, C replaced by G.
Protein change: p.Thr3411Ser; replaces threonine 3411 with serine.
Molecular consequence: missense variant. On other transcripts: intron variant (68).
Genome position (GRCh38, 1-based): chr4:113,358,850, C>G. VCF-style: chr4-113358850-C-G. GRCh37 (hg19) VCF-style: chr4-114280006-C-G.
Other names: c.4208-1973C>G (NM_001386153.1, NM_001386146.1, NM_001386150.1 and 1 more transcripts); c.4193-1973C>G (NM_001354274.2, NM_001386154.1); c.4142-1973C>G (NM_001386151.1, NM_001354260.2, NM_001354271.2); c.4043-1973C>G (NM_001386157.1, NM_001354277.2); c.4361-1973C>G (NM_001386161.1, NM_001354244.2, NM_001354256.2); c.4286-1973C>G (NM_001354261.2); c.4166-1973C>G (NM_001386156.1, NM_001354257.2); c.4262-1973C>G (NM_001354264.2); and 35 more; short protein forms T3333S, T3411S, T3458S, T3450S, T2211S.
Identifiers: ClinVar variation 4096743 (VCV004096743.3).

ClinVar aggregate classification (germline): Uncertain significance. Review status: criteria provided, multiple submitters, no conflicts (2 of 4 stars). 2 submissions from 2 submitters: Uncertain significance (2). Last evaluated 2026-03-05.

Conditions:
Cardiovascular phenotype. Identifiers: MedGen CN230736.

gnomAD v4.1: 3 of 1,613,930 alleles (0.00019%); highest among the groups gnomAD compares: African/African-American, 0.0013%; no homozygotes.

Submissions (2):

GeneDx
Classification: Uncertain significance. Last evaluated: 2026-03-05. Review status: criteria provided, single submitter. Criteria: GeneDx Variant Classification Process June 2021. Collection method: clinical testing. Allele origin: germline.
Comment: Not observed at significant frequency in large population cohorts (gnomAD); In silico analysis suggests that this missense variant does not alter protein structure/function; Has not been previously published as pathogenic or benign to our knowledge; This variant is associated with the following publications: (PMID: 1830053, 18790697, 26109584)

Ambry Genetics
Classification: Uncertain significance for Cardiovascular phenotype. Last evaluated: 2025-11-02. Review status: criteria provided, single submitter. Criteria: Ambry Variant Classification Scheme 2023. Collection method: clinical testing. Allele origin: germline.